The following is an entry in ClinVar:

NM_033380.3(COL4A5):c.2678-42A>G

Gene: COL4A5 (collagen type IV alpha 5 chain; plus strand). Cytogenetic location: Xq22.3.
Variant type: single nucleotide variant.
Coding change: c.2678-42A>G on transcript NM_033380.3 (MANE Select); 42 bases into the intron before coding-DNA position 2678, A replaced by G.
Molecular consequence: intron variant.
Genome position (GRCh38, 1-based): chrX:108,621,761, A>G. VCF-style: chrX-108621761-A-G. GRCh37 (hg19) VCF-style: chrX-107864991-A-G.
Other names: c.2678-42A>G (NM_000495.5).
Identifiers: ClinVar variation 3894547 (VCV003894547.1).

ClinVar aggregate classification (germline): Uncertain significance (1 of 4 stars; one submission).

Conditions:
X-linked Alport syndrome (ATS1). Also called: NEPHROPATHY AND DEAFNESS, X-LINKED; COL4A5-Related Nephropathy. Identifiers: Orphanet 63, Orphanet 88917, MedGen C4746986, MONDO:0010520, OMIM 301050.

Submission:

MVZ Medizinische Genetik Mainz
Classification: Uncertain significance for X-linked Alport syndrome. Last evaluated: 2025-03-20. Review status: criteria provided, single submitter. Criteria: UK Practice Guidelines For Variant Classification V4 01 2020. Collection method: clinical testing. Allele origin: germline. Inheritance: Unknown mechanism. Affected: yes. Observed: 1 variant allele.
Comment: ACMG Criteria: PM2_SUP,PP3,PP4